The following is an entry in ClinVar:

ClinVar aggregate classification (germline): Conflicting classifications of pathogenicity. Review status: criteria provided, conflicting classifications (1 of 4 stars). 4 submissions from 4 submitters: Uncertain significance (2); Likely benign (2). Last evaluated 2025-02-19.

Conditions:
Hereditary spastic paraplegia 48. Also called: SPASTIC PARAPLEGIA 48, AUTOSOMAL RECESSIVE; Spastic paraplegia 48. Identifiers: Orphanet 306511, MedGen C3150901, MONDO:0013342, OMIM 613647.
Hereditary spastic paraplegia. Also called: Familial spastic paraparesis. Identifiers: Orphanet 685, MedGen C0037773, MONDO:0019064. Disease mechanism: loss of function.

Allele frequency attached by ClinVar (database versions not stated): TOPMed 0.00001; gnomAD exomes 0.00021 and 0.00044; 1000 Genomes Project 30x 0.00062; 1000 Genomes Project 0.00080; ExAC 0.00082.

Submissions (4):

Labcorp Genetics (formerly Invitae), Labcorp
Classification: Likely benign for Hereditary spastic paraplegia 48. Last evaluated: 2025-02-19. Review status: criteria provided, single submitter. Criteria: Invitae Variant Classification Sherloc (09022015). Collection method: clinical testing. Allele origin: germline.

Genomic Medicine Center of Excellence, King Faisal Specialist Hospital and Research Centre
Classification: Uncertain significance for Hereditary spastic paraplegia 48. Last evaluated: 2024-04-04. Review status: criteria provided, single submitter. Criteria: ACMG Guidelines, 2015. Collection method: clinical testing. Allele origin: germline.

CeGaT Center for Human Genetics Tuebingen
Classification: Likely benign. Last evaluated: 2023-10-01. Review status: criteria provided, single submitter. Criteria: CeGaT Center For Human Genetics Tuebingen Variant Classification Criteria Version 2. Collection method: clinical testing. Allele origin: germline. Affected: yes. Observed: 1 variant allele.
Comment: AP5Z1: BP4

Genome Diagnostics Laboratory, The Hospital for Sick Children
Classification: Uncertain significance for Hereditary spastic paraplegia. Last evaluated: 2019-02-01. Review status: criteria provided, single submitter. Criteria: ACMG Guidelines, 2015. Collection method: clinical testing. Allele origin: germline. Affected: yes.

NM_014855.3(AP5Z1):c.1043C>T (p.Ser348Phe)

Gene: AP5Z1 (adaptor related protein complex 5 subunit zeta 1; plus strand). Cytogenetic location: 7p22.1.
Variant type: single nucleotide variant.
Coding change: c.1043C>T on transcript NM_014855.3 (MANE Select); coding-DNA position 1043, C replaced by T.
Protein change: p.Ser348Phe; replaces serine 348 with phenylalanine.
Molecular consequence: missense variant. On other transcripts: non-coding transcript variant (1).
Genome position (GRCh38, 1-based): chr7:4,785,595, C>T. VCF-style: chr7-4785595-C-T. GRCh37 (hg19) VCF-style: chr7-4825226-C-T.
Other names: c.575C>T, p.Ser192Phe (NM_001364858.1); short protein forms S192F, S348F.
Identifiers: ClinVar variation 1344198 (VCV001344198.28), dbSNP rs547137141, ClinGen allele CA4137575.